The following is an entry in ClinVar:

NM_000500.9(CYP21A2):c.361A>C (p.Lys121Gln)

Genes: CYP21A2 (cytochrome P450 family 21 subfamily A member 2; plus strand), LOC106780800 (CYP21A2 recombination region; plus strand). Cytogenetic location: 6p21.33.
Variant type: single nucleotide variant.
Coding change: c.361A>C on transcript NM_000500.9 (MANE Select); coding-DNA position 361, A replaced by C.
Protein change: p.Lys121Gln; replaces lysine 121 with glutamine.
Molecular consequence: missense variant. On other transcripts: 5 prime UTR variant (2).
Genome position (GRCh38, 1-based): chr6:32,039,162, A>C. VCF-style: chr6-32039162-A-C. GRCh37 (hg19) VCF-style: chr6-32006939-A-C.
Other names: c.271A>C, p.Lys91Gln (NM_001128590.4); c.-45A>C (NM_001368143.2, NM_001368144.2); short protein forms K121Q, K91Q.
Identifiers: ClinVar variation 18452 (VCV000018452.2), dbSNP rs267606757, ClinGen allele CA256236.

ClinVar aggregate classification (germline): Uncertain significance. Review status: criteria provided, single submitter (1 of 4 stars). 2 submissions from 2 submitters: Uncertain significance (1). 1 of the submissions does not count toward it. Last evaluated 2024-09-13.

Conditions:
21-Hydroxylase-Deficient Congenital Adrenal Hyperplasia. Also called: ADRENAL HYPERPLASIA, CONGENITAL, DUE TO 21-HYDROXYLASE DEFICIENCY; ADRENAL HYPERPLASIA III. Identifiers: MedGen C2936858, OMIM 201910.

Submissions (2):

Women's Health and Genetics/Laboratory Corporation of America, LabCorp
Classification: Uncertain significance. Last evaluated: 2024-09-13. Review status: criteria provided, single submitter. Criteria: LabCorp Variant Classification Summary - May 2015. Collection method: clinical testing. Allele origin: germline.
Comment: Variant summary: CYP21A2 c.361A>C (p.Lys121Gln) results in a conservative amino acid change in the encoded protein sequence. Three of five in-silico tools predict a benign effect of the variant on protein function. The variant was absent in 242844 control chromosomes. The available data on variant occurrences in the general population are insufficient to allow any conclusion about variant significance. c.361A>C has been reported in the literature in at least an individual affected with Congenital Adrenal Hyperplasia (example: Kong_2024). This report(s) however, does not provide unequivocal conclusions about association of the variant with Congenital Adrenal Hyperplasia. To our knowledge, no experimental evidence demonstrating an impact on protein function has been reported. The following publication has been ascertained in the context of this evaluation (PMID: 37822034). ClinVar contains an entry for this variant (Variation ID: 18452). Based on the evidence outlined above, the variant was classified as uncertain significance.

OMIM
Classification: Pathogenic for ADRENAL HYPERPLASIA, CONGENITAL, DUE TO 21-HYDROXYLASE DEFICIENCY. Last evaluated: 2008-07-01. Review status: no assertion criteria provided. Collection method: literature only. Allele origin: germline. Not counted in ClinVar's aggregate classification.

Literature cited by the submitters: PubMed 37822034 (cited by Women's Health and Genetics/Laboratory Corporation of America, LabCorp); PubMed 18445671 (cited by OMIM).